The following is an entry in ClinVar:

NM_014014.5(SNRNP200):c.2698A>G (p.Met900Val)

Gene: SNRNP200 (small nuclear ribonucleoprotein U5 subunit 200; minus strand). Cytogenetic location: 2q11.2.
Variant type: single nucleotide variant.
Coding change: c.2698A>G on transcript NM_014014.5 (MANE Select); coding-DNA position 2698, A replaced by G.
Protein change: p.Met900Val; replaces methionine 900 with valine.
Molecular consequence: missense variant.
Genome position (GRCh38, 1-based): chr2:96,290,370, T>C on the plus strand (A>G on the coding strand, the complement: SNRNP200 is on the minus strand). VCF-style: chr2-96290370-T-C. GRCh37 (hg19) VCF-style: chr2-96956108-T-C.
Other names: short protein forms M900V.
Identifiers: ClinVar variation 4810224 (VCV004810224.1).

ClinVar aggregate classification (germline): Uncertain significance (1 of 4 stars; one submission).

Submission:

Labcorp Genetics (formerly Invitae), Labcorp
Classification: Uncertain significance. Last evaluated: 2025-05-01. Review status: criteria provided, single submitter. Criteria: Invitae Variant Classification Sherloc (09022015). Collection method: clinical testing. Allele origin: germline.
Comment: This sequence change replaces methionine, which is neutral and non-polar, with valine, which is neutral and non-polar, at codon 900 of the SNRNP200 protein (p.Met900Val). This variant is not present in population databases (gnomAD no frequency). This variant has not been reported in the literature in individuals affected with SNRNP200-related conditions. Invitae Evidence Modeling of protein sequence and biophysical properties (such as structural, functional, and spatial information, amino acid conservation, physicochemical variation, residue mobility, and thermodynamic stability) indicates that this missense variant is not expected to disrupt SNRNP200 protein function with a negative predictive value of 95%. In summary, the available evidence is currently insufficient to determine the role of this variant in disease. Therefore, it has been classified as a Variant of Uncertain Significance.